The following is an entry in ClinVar:

NM_016216.4(DBR1):c.247G>A (p.Gly83Arg)

Gene: DBR1 (debranching RNA lariats 1; minus strand). Cytogenetic location: 3q22.3.
Variant type: single nucleotide variant.
Coding change: c.247G>A on transcript NM_016216.4 (MANE Select); coding-DNA position 247, G replaced by A.
Protein change: p.Gly83Arg; replaces glycine 83 with arginine.
Molecular consequence: missense variant.
Genome position (GRCh38, 1-based): chr3:138,173,577, C>T on the plus strand (G>A on the coding strand, the complement: DBR1 is on the minus strand). VCF-style: chr3-138173577-C-T. GRCh37 (hg19) VCF-style: chr3-137892419-C-T.
Other names: short protein forms G83R.
Identifiers: ClinVar variation 1998096 (VCV001998096.4), dbSNP rs1299744791, ClinGen allele CA354678772.
Genomic context (GRCh38, chr3:138,173,577, plus strand): 5'-TTGGTGCCACCCAGCCACCATAGGGTAACTCTTGCAAATGATTTGAGGCTTCATGGTTTC[C>T]CCCAATGAAGAGCGTGAGAACTGGAGCCTTTTTCTCTCCAGAGTAATACCTAGAACATAA-3'
Protein context (NP_057300.2, residues 73-93): KAPVLTLFIG[Gly83Arg]NHEASNHLQE

ClinVar aggregate classification (germline): Uncertain significance (1 of 4 stars; one submission).

Allele frequency attached by ClinVar (database versions not stated): gnomAD exomes below 0.00001.
gnomAD v4.1: 2 of 1,613,516 alleles (0.00012%); highest among the groups gnomAD compares: East Asian, 0.0022%; no homozygotes.

Submission:

Labcorp Genetics (formerly Invitae), Labcorp
Classification: Uncertain significance. Last evaluated: 2022-09-07. Review status: criteria provided, single submitter. Criteria: Invitae Variant Classification Sherloc (09022015). Collection method: clinical testing. Allele origin: germline.
Comment: In summary, the available evidence is currently insufficient to determine the role of this variant in disease. Therefore, it has been classified as a Variant of Uncertain Significance. Algorithms developed to predict the effect of missense changes on protein structure and function (SIFT, PolyPhen-2, Align-GVGD) all suggest that this variant is likely to be disruptive. This variant has not been reported in the literature in individuals affected with DBR1-related conditions. This variant is present in population databases (no rsID available, gnomAD 0.006%). This sequence change replaces glycine, which is neutral and non-polar, with arginine, which is basic and polar, at codon 83 of the DBR1 protein (p.Gly83Arg).